The following is an entry in ClinVar:

ClinVar aggregate classification (germline): Uncertain significance (1 of 4 stars; one submission).

Submission:

Ambry Genetics
Classification: Uncertain significance. Last evaluated: 2024-05-05. Review status: criteria provided, single submitter. Criteria: Ambry Variant Classification Scheme 2023. Collection method: clinical testing. Allele origin: germline.
Comment: The p.Q2070R variant (also known as c.6209A>G), located in coding exon 19 of the POLQ gene, results from an A to G substitution at nucleotide position 6209. The glutamine at codon 2070 is replaced by arginine, an amino acid with highly similar properties. This amino acid position is conserved. In addition, this alteration is predicted to be tolerated by in silico analysis. Since supporting evidence is limited at this time, the clinical significance of this alteration remains unclear.

NM_199420.4(POLQ):c.6209A>G (p.Gln2070Arg)

Gene: POLQ (DNA polymerase theta; minus strand). Cytogenetic location: 3q13.33.
Variant type: single nucleotide variant.
Coding change: c.6209A>G on transcript NM_199420.4 (MANE Select); coding-DNA position 6209, A replaced by G.
Protein change: p.Gln2070Arg; replaces glutamine 2070 with arginine.
Molecular consequence: missense variant.
Genome position (GRCh38, 1-based): chr3:121,481,574, T>C on the plus strand (A>G on the coding strand, the complement: POLQ is on the minus strand). VCF-style: chr3-121481574-T-C. GRCh37 (hg19) VCF-style: chr3-121200421-T-C.
Other names: short protein forms Q2070R.
Identifiers: ClinVar variation 1752200 (VCV001752200.3), dbSNP rs2047970211, ClinGen allele CA354087588.
Genomic context (GRCh38, chr3:121,481,574, plus strand): 5'-GTGGCTAAATCTCTATCTCTAATCTATAACATAAAAATGCCAGAAACTTGGTTTTTACCT[T>C]GAAGGTTTTCCTTCTGCAACAAAGAGTTGAGCTGATTCATAGAGTTGAAGATGAGAATGG-3'
Protein context (NP_955452.3, residues 2060-2080): LNSLLQKENL[Gln2070Arg]DVFRKVEMPS